The following is an entry in ClinVar:

ClinVar aggregate classification (germline): Likely pathogenic. Review status: reviewed by expert panel (3 of 4 stars). 3 submissions from 3 submitters: Likely pathogenic (1). 2 of the submissions do not count toward it. Last evaluated 2026-04-30.

Conditions:
Autosomal recessive limb-girdle muscular dystrophy. Identifiers: Orphanet 102015, MedGen C2931907, MONDO:0015152.

Submissions (3):

ClinGen Limb Girdle Muscular Dystrophy Variant Curation Expert Panel, ClinGen
Classification: Likely pathogenic for Autosomal recessive limb-girdle muscular dystrophy. Last evaluated: 2026-04-30. Review status: reviewed by expert panel. Criteria: ClinGen LGMD VCEP ACMG Specifications DYSF V2.0.0. Collection method: curation. Allele origin: germline. Inheritance: Autosomal recessive inheritance.
Comment: The NM_003494.4: c.797T>G variant in DYSF, which is also known as NM_001130987.2: c.893T>G p.(Leu298Arg), is a missense variant expected to cause the substitution of leucine at amino acid 266 with arginine, p.(Leu266Arg). This variant has been identified in one individual with progressive limb girdle muscle weakness and absent dysferlin in muscle and blood monocytes, in whom it was reported in unconfirmed phase with a pathogenic variant (NM_003494.4: c.1663C>T p.(Arg555Trp), 0.5 pts, Jain Foundation Dysferlin Registry internal data communication; PM3_Supporting, PP4_Strong). This variant is absent from gnomAD v.4.1.0, meeting the criteria for PM2_Supporting. Immunofluorescence and 2-A assays of dysferlin membrane localization in HEK293T cells showed the Leu266Arg protein did not reach the cell membrane, indicating an impact on protein function (PMID: 35028538) (PS3_Moderate). The computational predictor REVEL gives a score of 0.777, which is above the LGMD VCEP threshold of ≥0.70, evidence that correlates with impact to DYSF function (PP3). Another missense change at the same residue, NM_003494.4: c.797T>C p.(Leu266Pro), has been reported in association with dysferlinopathy (LOVD Individual #00215299, PMID: 18853459), but the clinical significance of this variant remains uncertain (PM5_Supporting not met). In summary, this variant meets the criteria to be classified as Likely Pathogenic for autosomal recessive limb girdle muscular dystrophy based on the ACMG/AMP criteria applied, as specified by the ClinGen LGMD VCEP (specifications v2.0.0; 04/30/2026): PM3_Supporting, PP4_Strong, PM2_Supporting, PS3_Moderate, PP3.

Revvity Omics, Revvity
Classification: Uncertain significance. Last evaluated: 2025-02-04. Review status: criteria provided, single submitter. Criteria: ACMG Guidelines, 2015. Collection method: clinical testing. Allele origin: germline. Not counted in ClinVar's aggregate classification.

Eurofins Ntd Llc (ga)
Classification: Uncertain significance. Last evaluated: 2013-03-05. Review status: criteria provided, single submitter. Criteria: EGL Classification Definitions 2015. Collection method: clinical testing. Allele origin: germline. Observed: 1 variant allele, 1 heterozygote. Not counted in ClinVar's aggregate classification.

NM_001130987.2(DYSF):c.893T>G (p.Leu298Arg)

Gene: DYSF (dysferlin; plus strand). Cytogenetic location: 2p13.2.
Variant type: single nucleotide variant.
Coding change: c.893T>G on transcript NM_001130987.2 (MANE Select); coding-DNA position 893, T replaced by G.
Protein change: p.Leu298Arg; replaces leucine 298 with arginine.
Molecular consequence: missense variant.
Genome position (GRCh38, 1-based): chr2:71,516,184, T>G. VCF-style: chr2-71516184-T-G. GRCh37 (hg19) VCF-style: chr2-71743314-T-G.
Other names: NM_001130987.2(DYSF):c.893T>G; p.Leu298Arg; c.800T>G, p.Leu267Arg (NM_001130455.2, NM_001130983.2, NM_001130984.2 and 1 more transcripts); c.797T>G, p.Leu266Arg (NM_001130976.2, NM_001130977.2, NM_001130978.2 and 1 more transcripts); c.890T>G, p.Leu297Arg (NM_001130979.2, NM_001130980.2, NM_001130981.2); c.893T>G, p.Leu298Arg (NM_001130982.2, NM_001130985.2); short protein forms L266R, L298R, L297R, L267R.
Identifiers: ClinVar variation 94363 (VCV000094363.8), dbSNP rs398123806, ClinGen allele CA222218.